The following is an entry in ClinVar:

ClinVar aggregate classification (germline): Conflicting classifications of pathogenicity. Review status: criteria provided, conflicting classifications (1 of 4 stars). 2 submissions from 2 submitters: Uncertain significance (1); Likely benign (1). Last evaluated 2025-02-03.

Conditions:
Alagille syndrome due to a JAG1 point mutation. Also called: JAG1-Related Alagille Syndrome; Alagille Syndrome 1; HEPATIC DUCTULAR HYPOPLASIA, SYNDROMATIC. Identifiers: Orphanet 261619, Orphanet 52, MedGen C1956125, MONDO:0016862, OMIM 118450.
Charcot-Marie-Tooth disease, axonal, Type 2HH. Also called: CHARCOT-MARIE-TOOTH NEUROPATHY, TYPE 2HH. Identifiers: MedGen C5562003, MONDO:0030458, OMIM 619574.
Deafness, congenital heart defects, and posterior embryotoxon (DCHE). Identifiers: MedGen C1866053, MONDO:0060713, OMIM 617992.
Tetralogy of Fallot (TOF). Identifiers: Orphanet 3303, MedGen C0039685, MONDO:0008542, OMIM 187500, HP:0001636.

Allele frequency attached by ClinVar (database versions not stated): gnomAD exomes below 0.00001 and 0.00001; TOPMed below 0.00001; gnomAD 0.00002.
gnomAD v4.1: 8 of 1,614,060 alleles (0.0005%); highest among the groups gnomAD compares: East Asian, 0.011%; no homozygotes.

Submissions (2):

Labcorp Genetics (formerly Invitae), Labcorp
Classification: Likely benign for Alagille syndrome due to a JAG1 point mutation. Last evaluated: 2025-02-03. Review status: criteria provided, single submitter. Criteria: Invitae Variant Classification Sherloc (09022015). Collection method: clinical testing. Allele origin: germline.

Juno Genomics, Hangzhou Juno Genomics, Inc
Classification: Uncertain significance for Deafness, congenital heart defects, and posterior embryotoxon; Alagille syndrome due to a JAG1 point mutation; Charcot-Marie-Tooth disease, axonal, Type 2HH; Tetralogy of Fallot. Review status: criteria provided, single submitter. Criteria: ACMG Guidelines, 2015. Collection method: clinical testing. Allele origin: germline.
Comment: Missense variant in a gene that has a low rate of benign missense variation.;Multiple lines of computational evidence support a deleterious effect on the gene or gene product.;Absent from controls (or at extremely low frequency if recessive) in Genome Aggregation Database.

NM_000214.3(JAG1):c.1829G>A (p.Gly610Glu)

Gene: JAG1 (jagged canonical Notch ligand 1; minus strand). Cytogenetic location: 20p12.2.
Variant type: single nucleotide variant.
Coding change: c.1829G>A on transcript NM_000214.3 (MANE Select); coding-DNA position 1829, G replaced by A.
Protein change: p.Gly610Glu; replaces glycine 610 with glutamic acid.
Molecular consequence: missense variant.
Genome position (GRCh38, 1-based): chr20:10,646,995, C>T on the plus strand (G>A on the coding strand, the complement: JAG1 is on the minus strand). VCF-style: chr20-10646995-C-T. GRCh37 (hg19) VCF-style: chr20-10627643-C-T.
Other names: short protein forms G610E.
Identifiers: ClinVar variation 1373254 (VCV001373254.10), dbSNP rs1162038163, ClinGen allele CA408236054.